The following is an entry in ClinVar:

NM_018062.4(FANCL):c.375-2033C>G

Gene: FANCL (FA complementation group L; minus strand). Cytogenetic location: 2p16.1.
Variant type: single nucleotide variant.
Coding change: c.375-2033C>G on transcript NM_018062.4 (MANE Select); 2033 bases into the intron before coding-DNA position 375, C replaced by G.
Molecular consequence: intron variant.
Genome position (GRCh38, 1-based): chr2:58,206,259, G>C on the plus strand (C>G on the coding strand, the complement: FANCL is on the minus strand). VCF-style: chr2-58206259-G-C. GRCh37 (hg19) VCF-style: chr2-58433394-G-C.
Other names: c.375-2033C>G (NM_001374615.1, NM_001114636.2, NM_001410792.1).
Identifiers: ClinVar variation 929821 (VCV000929821.8), dbSNP rs1690571577, ClinGen allele CA1139657035.

ClinVar aggregate classification (germline): Conflicting classifications of pathogenicity. Review status: criteria provided, conflicting classifications (1 of 4 stars). 3 submissions from 3 submitters: Likely pathogenic (1); Uncertain significance (1). 1 of the submissions does not count toward it. Last evaluated 2023-10-05.

Conditions:
Fanconi anemia complementation group L (FANCL). Also called: FANCL-Related Fanconi Anemia. Identifiers: Orphanet 84, MedGen C3469528, MONDO:0013566, OMIM 614083.
Fanconi anemia (FA). Also called: Fanconi's anemia. Identifiers: Orphanet 84, MedGen C0015625, MeSH D005199, MONDO:0019391.

Submissions (3):

Baylor Genetics
Classification: Likely pathogenic for Fanconi anemia complementation group L. Last evaluated: 2023-10-05. Review status: criteria provided, single submitter. Criteria: ACMG Guidelines, 2015. Collection method: clinical testing. Allele origin: unknown.

Labcorp Genetics (formerly Invitae), Labcorp
Classification: Uncertain significance for Fanconi anemia. Last evaluated: 2020-11-15. Review status: criteria provided, single submitter. Criteria: Invitae Variant Classification Sherloc (09022015). Collection method: clinical testing. Allele origin: germline.
Comment: This sequence change falls in intron 5 of the FANCL gene. It does not directly change the encoded amino acid sequence of the FANCL protein. In summary, the available evidence is currently insufficient to determine the role of this variant in disease. Therefore, it has been classified as a Variant of Uncertain Significance. Studies have shown that this variant is associated with altered splicing, but the impact on the resulting protein product is unknown (PMID: 23613520). This variant has been observed in individual(s) with Fanconi anemia (PMID: 23613520). ClinVar contains an entry for this variant (Variation ID: 929821). The frequency data for this variant in the population databases is considered unreliable, as metrics indicate insufficient coverage at this position in the ExAC database.

Leiden Open Variation Database
Classification: Pathogenic for Fanconi anemia complementation group L. Last evaluated: 2014-10-05. Review status: no assertion criteria provided. Collection method: curation. Allele origin: germline. Affected: yes. Not counted in ClinVar's aggregate classification.
Comment: Curator: Arleen D. Auerbach. Submitter to LOVD: Arleen D. Auerbach.

Literature cited by the submitters: PubMed 23613520 (cited by Labcorp Genetics (formerly Invitae), Labcorp and Leiden Open Variation Database).